The following is an entry in ClinVar:

NM_014431.3(PALD1):c.186-5C>G

Gene: PALD1 (phosphatase domain containing paladin 1; plus strand). Cytogenetic location: 10q22.1.
Variant type: single nucleotide variant.
Coding change: c.186-5C>G on transcript NM_014431.3 (MANE Select); 5 bases into the intron before coding-DNA position 186, C replaced by G.
Molecular consequence: intron variant.
Genome position (GRCh38, 1-based): chr10:70,529,224, C>G. VCF-style: chr10-70529224-C-G. GRCh37 (hg19) VCF-style: chr10-72288980-C-G.
Other names: NC_000010.10:g.72288980C>G.
Identifiers: ClinVar variation 2640552 (VCV002640552.25), dbSNP rs527946557, ClinGen allele CA5537797.
Genomic context (GRCh38, chr10:70,529,224, plus strand): 5'-AGCTGGCCTTGACCAAGGAGGTTGCTTGACTCAGTTTCCATTCTGCCCCCCCCCCCCCCC[C>G]CCAGGTACAACTGCAAGGAGGAGTTCCAGATCCATGATGAGCTGCTCAAGGCTCATTACA-3'

ClinVar aggregate classification (germline): Likely benign (1 of 4 stars; one submission).

Allele frequency attached by ClinVar (database versions not stated): 1000 Genomes Project 0.00200.
gnomAD v4.1: 482 of 300,594 alleles (0.16%); highest among the groups gnomAD compares: South Asian, 0.6%; 23 homozygotes.

Submissions (2):

CeGaT Center for Human Genetics Tuebingen
Classification: Likely benign. Last evaluated: 2026-04-01. Review status: criteria provided, single submitter. Criteria: CeGaT Center For Human Genetics Tuebingen Variant Classification Criteria Version 2. Collection method: clinical testing. Allele origin: germline. Affected: yes. Observed: 3 variant alleles.
Comment: PALD1: BP4, BS2

Dr. Peter K. Rogan Lab, Western University
No classification provided (evidence only). Condition: Gastric cancer. Review status: no classification provided. Collection method: in vitro. Allele origin: not applicable. Functional consequence: retained intron. Not counted in ClinVar's aggregate classification.